The following is an entry in ClinVar:

NM_001080517.3(SETD5):c.1728C>A (p.Ile576=)

Gene: SETD5 (SET domain containing 5; plus strand). Cytogenetic location: 3p25.3.
Variant type: single nucleotide variant.
Coding change: c.1728C>A on transcript NM_001080517.3 (MANE Select); coding-DNA position 1728, C replaced by A.
Protein change: p.Ile576=; no amino-acid change (isoleucine 576 retained).
Molecular consequence: synonymous variant.
Genome position (GRCh38, 1-based): chr3:9,447,253, C>A. VCF-style: chr3-9447253-C-A. GRCh37 (hg19) VCF-style: chr3-9488937-C-A.
Other names: c.1434C>A, p.Ile478= (NM_001292043.2, NM_001349451.2); c.1728C>A (NM_001080517.2).
Identifiers: ClinVar variation 1408643 (VCV001408643.10), dbSNP rs191615401, ClinGen allele CA2239275.
Genomic context (GRCh38, chr3:9,447,253, plus strand): 5'-AGAGACAAAAACTGAAGCCCCTGAATCTGAAGTTAGCAACTCTGTTTCAAATGTTACCAT[C>A]CCAAGCACCCCACAGAGTGTTGGTGTGAATACCCGGAGGTCTTCCCAAGCAGGGGTAAGA-3'
Protein context (NP_001073986.1, residues 566-586): EVSNSVSNVT[Ile576=]PSTPQSVGVN

ClinVar aggregate classification (germline): Likely benign. Review status: criteria provided, single submitter (1 of 4 stars). 2 submissions from 2 submitters: Likely benign (1). 1 of the submissions does not count toward it. Last evaluated 2025-11-23.

Conditions:
SETD5-related disorder. Also called: SETD5-related disorders; SETD5-related condition.

Allele frequency attached by ClinVar (database versions not stated): gnomAD exomes 0.00004; ExAC 0.00007; 1000 Genomes Project 30x 0.00016; 1000 Genomes Project 0.00020; gnomAD 0.00022; TOPMed 0.00023; ESP Exome Variant Server 0.00050.
gnomAD v4.1: 61 of 1,614,036 alleles (0.0038%); highest among the groups gnomAD compares: African/African-American, 0.059%; no homozygotes.

Submissions (2):

Labcorp Genetics (formerly Invitae), Labcorp
Classification: Likely benign. Last evaluated: 2025-11-23. Review status: criteria provided, single submitter. Criteria: Invitae Variant Classification Sherloc (09022015). Collection method: clinical testing. Allele origin: germline.

PreventionGenetics, part of Exact Sciences
Classification: Likely benign for SETD5-related condition. Last evaluated: 2020-04-01. Review status: no assertion criteria provided. Collection method: clinical testing. Allele origin: germline. Not counted in ClinVar's aggregate classification.
Comment: This variant is classified as likely benign based on ACMG/AMP sequence variant interpretation guidelines (Richards et al. 2015 PMID: 25741868, with internal and published modifications).